The following is an entry in ClinVar:

NM_001126108.2(SLC12A3):c.1456G>A (p.Asp486Asn)

Gene: SLC12A3 (solute carrier family 12 member 3; plus strand). Cytogenetic location: 16q13.
Variant type: single nucleotide variant.
Coding change: c.1456G>A on transcript NM_001126108.2 (MANE Select); coding-DNA position 1456, G replaced by A.
Protein change: p.Asp486Asn; replaces aspartic acid 486 with asparagine.
Molecular consequence: missense variant.
Genome position (GRCh38, 1-based): chr16:56,880,142, G>A. VCF-style: chr16-56880142-G-A. GRCh37 (hg19) VCF-style: chr16-56914054-G-A.
Other names: c.1456G>A (NM_001126108.1); c.1456G>A, p.Asp486Asn (NM_000339.3); c.1453G>A, p.Asp485Asn (NM_001126107.2); short protein forms D485N, D486N.
Identifiers: ClinVar variation 642516 (VCV000642516.22), dbSNP rs753523115, ClinGen allele CA8069494.

ClinVar aggregate classification (germline): Pathogenic/Likely pathogenic. Review status: criteria provided, multiple submitters, no conflicts (2 of 4 stars). 9 submissions from 9 submitters: Pathogenic (6); Likely pathogenic (2). 1 of the submissions does not count toward it. Last evaluated 2025-12-19.

Conditions:
SLC12A3-related disorder. Also called: SLC12A3-related condition.
Familial hypokalemia-hypomagnesemia (GTLMNS). Also called: POTASSIUM AND MAGNESIUM DEPLETION; gitelman syndrome; HYPOMAGNESEMIA-HYPOKALEMIA, PRIMARY RENOTUBULAR, WITH HYPOCALCIURIA. Identifiers: Orphanet 358, MedGen C0268450, MONDO:0009904, OMIM 263800.

Allele frequency attached by ClinVar (database versions not stated): ExAC 0.00001; gnomAD 0.00001; gnomAD exomes 0.00001 and 0.00003; TOPMed 0.00003.
gnomAD v4.1: 5 of 1,606,704 alleles (0.00031%); highest among the groups gnomAD compares: East Asian, 0.0045%; no homozygotes.

Submissions (9):

Natera, Inc.
Classification: Pathogenic for Gitelman syndrome. Last evaluated: 2025-12-19. Review status: criteria provided, single submitter. Criteria: Natera Variant Classification Schema (03/2026). Collection method: clinical testing. Allele origin: germline.
Comment: The c.1456G>A variant in SLC12A3 is a missense variant predicted to cause substitution of aspartic acid to asparagine at amino acid 486. This variant is rare in the general population with a frequency below the threshold expected for the associated phenotype(s). This variant has been observed in one or more individuals affected with the associated recessive disease, as either homozygous or compound heterozygous with a second variant (PMID: 32542819). Computational prediction algorithms indicate this variant is likely to affect gene or protein function. Given the available evidence, this variant is classified as Pathogenic.

3billion
Classification: Pathogenic for Familial hypokalemia-hypomagnesemia. Last evaluated: 2024-08-16. Review status: criteria provided, single submitter. Criteria: ACMG Guidelines, 2015. Collection method: clinical testing. Allele origin: germline. Affected: yes.
Comment: The variant is observed at an extremely low frequency in the gnomAD v4.0.0 dataset (total allele frequency: <0.001%). Predicted Consequence/Location: Missense variant In silico tool predictions suggest damaging effect of the variant on gene or gene product [REVEL: 0.81 (>=0.6, sensitivity 0.68 and specificity 0.92); 3Cnet: 0.96 (>=0.6, sensitivity 0.72 and precision 0.9)]. The same nucleotide change resulting in the same amino acid change has been previously reported as pathogenic/likely pathogenic with strong evidence (ClinVar ID: VCV000642516 /PMID: 8528245 /3billion dataset). The variant has been reported to be in trans with a pathogenic variant as either compound heterozygous or homozygous in at least 4 similarly affected unrelated individuals (PMID: 30084681, 30413979). The variant has been reported to co-segregate with the disease in at least one similarly affected relative/individual in the same family or similarly affected unrelated family (PMID: 30084681, 30413979). A different missense change at the same codon (p.Asp486Ala) has been reported to be associated with SLC12A3 related disorder (ClinVar ID: VCV002160768). Therefore, this variant is classified as Pathogenic according to the recommendation of ACMG/AMP guideline.

Fulgent Genetics
Classification: Likely pathogenic for Familial hypokalemia-hypomagnesemia. Last evaluated: 2024-06-01. Review status: criteria provided, single submitter. Criteria: ACMG Guidelines, 2015. Collection method: clinical testing. Allele origin: germline.

Blueprint Genetics
Classification: Pathogenic for SLC12A3-related disorders. Last evaluated: 2024-05-06. Review status: criteria provided, single submitter. Criteria: ACMG Guidelines, 2015. Collection method: clinical testing. Allele origin: germline. Affected: yes. Observed: 5 variant alleles.

Labcorp Genetics (formerly Invitae), Labcorp
Classification: Pathogenic. Last evaluated: 2024-02-14. Review status: criteria provided, single submitter. Criteria: Invitae Variant Classification Sherloc (09022015). Collection method: clinical testing. Allele origin: germline.
Comment: This sequence change replaces aspartic acid, which is acidic and polar, with asparagine, which is neutral and polar, at codon 486 of the SLC12A3 protein (p.Asp486Asn). This variant is present in population databases (rs753523115, gnomAD 0.04%). This missense change has been observed in individual(s) with Gitelman syndrome (PMID: 8528245, 18287808, 22934535, 26121437, 26770037, 27216017, 27454426, 30084681, 30413979). In at least one individual the data is consistent with being in trans (on the opposite chromosome) from a pathogenic variant. It has also been observed to segregate with disease in related individuals. ClinVar contains an entry for this variant (Variation ID: 642516). Advanced modeling of protein sequence and biophysical properties (such as structural, functional, and spatial information, amino acid conservation, physicochemical variation, residue mobility, and thermodynamic stability) performed at Invitae indicates that this missense variant is expected to disrupt SLC12A3 protein function with a positive predictive value of 95%. For these reasons, this variant has been classified as Pathogenic.

GeneDx
Classification: Likely pathogenic. Last evaluated: 2023-09-15. Review status: criteria provided, single submitter. Criteria: GeneDx Variant Classification Process June 2021. Collection method: clinical testing. Allele origin: germline. Affected: yes.
Comment: In silico analysis supports that this missense variant has a deleterious effect on protein structure/function; This variant is associated with the following publications: (PMID: 8528245, 30596175, 30084681, 25990047, 31398183, 29093260, 32758191, 22934535, 29953267, 26121437, 27216017, 26770037, 27454426, 28700713, 30413979, 18287808, 35545335, 34657521, 35314707, 33993910, 35591852, 34860177, 31328266, 35883046, 34079339, 27173320, 37131142, 34389731, 31577716, 19207868, 28432081, 25841442, 36158002, 8900229, 30558554, 36806220, 28469853, 37197138)

Victorian Clinical Genetics Services, Murdoch Childrens Research Institute
Classification: Pathogenic for Familial hypokalemia-hypomagnesemia. Last evaluated: 2023-07-17. Review status: criteria provided, single submitter. Criteria: ACMG Guidelines, 2015. Collection method: clinical testing. Allele origin: germline. Inheritance: Autosomal dominant inheritance. Affected: yes.
Comment: Based on the classification scheme VCGS_Germline_v1.3.4, this variant is classified as Pathogenic. Following criteria are met: 0102 - Loss of function is a known mechanism of disease in this gene and is associated with Gitelman syndrome (MIM#263800). (I) 0106 - This gene is associated with autosomal recessive disease. (I) 0200 - Variant is predicted to result in a missense amino acid change from aspartic acid to asparagine. (I) 0251 - This variant is heterozygous. (I) 0304 - Variant is present in gnomAD <0.01 for a recessive condition (v2: 6 heterozygotes, 0 homozygotes). (SP) 0501 - Missense variant consistently predicted to be damaging by multiple in silico tools or highly conserved with a major amino acid change. (SP) 0600 - Variant is located in the annotated amnio acid permease domain (DECIPHER). (I) 0704 - Another missense variant comparable to the one identified in this case has limited previous evidence for pathogenicity. The variant p.(Arg486Ala) has been reported as likely pathogenic in ClinVar. (SP) 0801 - This variant has strong previous evidence of pathogenicity in unrelated individuals. This variant has been reported in over ten unrelated individuals with Gitelman syndrome (ClinVar; PMID: 8528245, 30084681, 8900229, 30413979, 26770037, 34389731). (SP) 1208 - Inheritance information for this variant is not currently available in this individual. (I) Legend: (SP) - Supporting pathogenic, (I) - Information, (SB) - Supporting benign

Juno Genomics, Hangzhou Juno Genomics, Inc
Classification: Pathogenic for Familial hypokalemia-hypomagnesemia. Review status: criteria provided, single submitter. Criteria: ACMG Guidelines, 2015. Collection method: clinical testing. Allele origin: germline.
Comment: Absent from controls (or at extremely low frequency if recessive) in Genome Aggregation Database.;Multiple lines of computational evidence support a deleterious effect on the gene or gene product.;For recessive disorders, detected in trans with a pathogenic variant.;Co-segregation with disease in multiple affected family members.

Department of Reproductive Genetics, International Peace Maternity and Child Health Hospital, Shanghai Jiao Tong University School of Medicine
Classification: Pathogenic for Gitelman syndrome. Last evaluated: 2025-05-01. Review status: no assertion criteria provided. Collection method: clinical testing. Allele origin: inherited. Affected: yes. Not counted in ClinVar's aggregate classification.
Comment: This is a missense variant located in a functionally critical region of the gene. In silico prediction tools supported a deleterious effect. The variant has been reported in affected individuals,consistent with autosomal recessive inheritance and co-segregation within families. It was also recorded in ClinVar(ID: 642516), where it was classified as pathogenic or likely pathogenic.

Literature cited by the submitters: PubMed 32542819 (cited by Natera, Inc.); PubMed 30084681 (cited by 4 submitters); PubMed 30413979 (cited by 3 submitters); PubMed 8528245 (cited by 3 submitters); PubMed 18287808 (cited by Labcorp Genetics (formerly Invitae), Labcorp); PubMed 22934535 (cited by Labcorp Genetics (formerly Invitae), Labcorp); PubMed 26121437 (cited by Labcorp Genetics (formerly Invitae), Labcorp); PubMed 26770037 (cited by Labcorp Genetics (formerly Invitae), Labcorp and Victorian Clinical Genetics Services, Murdoch Childrens Research Institute); PubMed 27216017 (cited by Labcorp Genetics (formerly Invitae), Labcorp); PubMed 27454426 (cited by Labcorp Genetics (formerly Invitae), Labcorp); PubMed 8900229 (cited by Victorian Clinical Genetics Services, Murdoch Childrens Research Institute); PubMed 34389731 (cited by Victorian Clinical Genetics Services, Murdoch Childrens Research Institute); PubMed 37197138 (cited by Department of Reproductive Genetics, International Peace Maternity and Child Health Hospital, Shanghai Jiao Tong University School of Medicine); PubMed 35591852 (cited by Department of Reproductive Genetics, International Peace Maternity and Child Health Hospital, Shanghai Jiao Tong University School of Medicine); PubMed 34860177 (cited by Department of Reproductive Genetics, International Peace Maternity and Child Health Hospital, Shanghai Jiao Tong University School of Medicine).